The following is an entry in ClinVar:

ClinVar aggregate classification (germline): Conflicting classifications of pathogenicity. Review status: criteria provided, conflicting classifications (1 of 4 stars). 5 submissions from 5 submitters: Uncertain significance (4); Likely benign (1). Last evaluated 2022-09-27.

Conditions:
Primary ciliary dyskinesia. Also called: Ciliary dyskinesia. Identifiers: Orphanet 244, MedGen C0008780, MONDO:0016575, HP:0012265.
Primary ciliary dyskinesia 14. Also called: CILIARY DYSKINESIA, PRIMARY, 14, WITH OR WITHOUT SITUS INVERSUS. Identifiers: Orphanet 244, MedGen C3151136, MONDO:0013434, OMIM 613807.

Allele frequency attached by ClinVar (database versions not stated): ESP Exome Variant Server 0.00051; ExAC 0.00051; gnomAD exomes 0.00035 and 0.00023; gnomAD 0.00027; TOPMed 0.00027.
gnomAD v4.1: 371 of 1,584,308 alleles (0.023%); highest among the groups gnomAD compares: Non-Finnish European, 0.026%; 1 homozygote.

Submissions (5):

Labcorp Genetics (formerly Invitae), Labcorp
Classification: Uncertain significance for Primary ciliary dyskinesia. Last evaluated: 2022-09-27. Review status: criteria provided, single submitter. Criteria: Invitae Variant Classification Sherloc (09022015). Collection method: clinical testing. Allele origin: germline.
Comment: This sequence change replaces arginine, which is basic and polar, with cysteine, which is neutral and slightly polar, at codon 853 of the CCDC39 protein (p.Arg853Cys). This variant is present in population databases (rs201097154, gnomAD 0.06%). This variant has not been reported in the literature in individuals affected with CCDC39-related conditions. ClinVar contains an entry for this variant (Variation ID: 228476). Algorithms developed to predict the effect of missense changes on protein structure and function are either unavailable or do not agree on the potential impact of this missense change (SIFT: "Tolerated"; PolyPhen-2: "Possibly Damaging"; Align-GVGD: "Class C0"). In summary, the available evidence is currently insufficient to determine the role of this variant in disease. Therefore, it has been classified as a Variant of Uncertain Significance.

Ambry Genetics
Classification: Likely benign for Primary ciliary dyskinesia. Last evaluated: 2022-08-10. Review status: criteria provided, single submitter. Criteria: Ambry Variant Classification Scheme 2023. Collection method: clinical testing. Allele origin: germline.

Institute of Human Genetics, University of Leipzig Medical Center
Classification: Uncertain significance for Primary ciliary dyskinesia 14. Last evaluated: 2019-01-01. Review status: criteria provided, single submitter. Criteria: ACMG Guidelines, 2015. Collection method: clinical testing. Allele origin: unknown. Affected: no.

Illumina Laboratory Services, Illumina
Classification: Uncertain significance for Primary ciliary dyskinesia 14. Last evaluated: 2018-01-12. Review status: criteria provided, single submitter. Criteria: ICSL Variant Classification Criteria 13 December 2019. Collection method: clinical testing. Allele origin: germline.

Laboratory for Molecular Medicine, Mass General Brigham Personalized Medicine
Classification: Uncertain significance. Last evaluated: 2015-12-09. Review status: criteria provided, single submitter. Criteria: LMM Criteria. Collection method: clinical testing. Allele origin: germline. Observed: 1 variant allele.
Comment: The p.Arg853Cys variant in CCDC39 has not been previously reported in individual s with pulmonary disease, but has been identified in 41/53056 European chromosom es by the Exome Aggregation Consortium (ExAC; db SNP rs201097154). Computational prediction tools and conservation analysis sugge st that this variant may not impact the protein, though this information is not predictive enough to rule out pathogenicity. In summary, the clinical significan ce of the p.Arg853Cys variant is uncertain.

NM_181426.2(CCDC39):c.2557C>T (p.Arg853Cys)

Genes: CCDC39 (coiled-coil domain 39 molecular ruler complex subunit; minus strand), TTC14 (tetratricopeptide repeat domain 14; plus strand). Cytogenetic location: 3q26.33.
Variant type: single nucleotide variant.
Coding change: c.2557C>T on transcript NM_181426.2 (MANE Select); coding-DNA position 2557, C replaced by T.
Protein change: p.Arg853Cys; replaces arginine 853 with cysteine.
Molecular consequence: missense variant. On other transcripts: intron variant (1).
Genome position (GRCh38, 1-based): chr3:180,616,545, G>A on the plus strand (C>T on the coding strand, the complement: CCDC39 is on the minus strand). VCF-style: chr3-180616545-G-A. GRCh37 (hg19) VCF-style: chr3-180334333-G-A.
Other names: c.1775-835G>A (NM_001288582.2); short protein forms R853C.
Identifiers: ClinVar variation 228476 (VCV000228476.51), dbSNP rs201097154, ClinGen allele CA2715643.
Genomic context (GRCh38, chr3:180,616,545, plus strand): 5'-AAGAAATATTTAATAGAAGGTGCTGTATTACCTGTTGAAAGTATGTTTGAAGGATAATAC[G>A]GATCTCAGTATTTTCTTCTATGATATCAACTAACATTTCATCAATAACTTTGTGAAACTG-3'
Protein context (NP_852091.1, residues 843-863): VDIIEENTEI[Arg853Cys]IILQTYFQQS